The following is an entry in ClinVar:

ClinVar aggregate classification (germline): Likely pathogenic. Review status: criteria provided, multiple submitters, no conflicts (2 of 4 stars). 2 submissions from 2 submitters: Likely pathogenic (2). Last evaluated 2022-06-15.

Conditions:
Myopathy, lactic acidosis, and sideroblastic anemia 1 (MLASA1). Identifiers: Orphanet 2598, MedGen C4551958, MONDO:0024553, OMIM 600462.

Allele frequency attached by ClinVar (database versions not stated): ExAC 0.00001; gnomAD 0.00001.
gnomAD v4.1: 1 of 1,613,278 alleles (0.000062%); highest among the groups gnomAD compares: Non-Finnish European, 0.000085%; no homozygotes.

Submissions (2):

Baylor Genetics
Classification: Likely pathogenic for Myopathy, lactic acidosis, and sideroblastic anemia 1. Last evaluated: 2022-06-15. Review status: criteria provided, single submitter. Criteria: ACMG Guidelines, 2015. Collection method: clinical testing. Allele origin: unknown.

Knight Diagnostic Laboratories, Oregon Health and Sciences University
Classification: Likely pathogenic for Myopathy, lactic acidosis, and sideroblastic anemia 1. Last evaluated: 2015-09-26. Review status: criteria provided, single submitter. Criteria: ACMG Guidelines, 2015. Collection method: clinical testing. Allele origin: germline. Affected: no. Study: CSER-NextGen.
Comment: The c.633C>A (p.Tyr211ter) novel nonsense variant in the PUS1 gene is predicted to cause a premature protein truncation that lacks 188 amino acids (NP_001002020) in the C-terminal region of the protein. The C-terminal portion, which is predicted to be deleted as a result of this variant, comprises three helices that are necessary to maintain structural integrity and stability (Czudnochowski N et al., 2013). Indeed, a mutant form of hPus1 that lacks the important three helical domains in the C-terminal end was unable to solubilize (Czudnochowski N et al., 2013). Furthermore, Fernandez-Vizarra E et al. (2007) reported that two brothers who were affected with MLASA carried a homozygous variant (p.Glu192ter) that was also predicted to ablate the three C-terminal helices of the protein. This locus is conserved across species. The frequency of this variant is either absent or very low in the population databases (1000 Genome, Exome Sequencing Project and ExAC)

NM_025215.6(PUS1):c.717C>A (p.Tyr239Ter)

Gene: PUS1 (pseudouridine synthase 1; plus strand). Cytogenetic location: 12q24.33.
Variant type: single nucleotide variant.
Coding change: c.717C>A on transcript NM_025215.6 (MANE Select); coding-DNA position 717, C replaced by A.
Protein change: p.Tyr239Ter; replaces tyrosine 239 with a stop codon.
Molecular consequence: nonsense.
Genome position (GRCh38, 1-based): chr12:131,941,464, C>A. VCF-style: chr12-131941464-C-A. GRCh37 (hg19) VCF-style: chr12-132426009-C-A.
Other names: c.633C>A, p.Tyr211Ter (NM_001002019.3, NM_001002020.3); short protein forms Y211*, Y239*.
Identifiers: ClinVar variation 402238 (VCV000402238.2), dbSNP rs779651314, ClinGen allele CA6884228.